The following is an entry in ClinVar:

NM_001379029.1(CERT1):c.740C>T (p.Thr247Ile)

Gene: CERT1 (ceramide transporter 1; minus strand). Cytogenetic location: 5q13.3.
Variant type: single nucleotide variant.
Coding change: c.740C>T on transcript NM_001379029.1 (MANE Select); coding-DNA position 740, C replaced by T.
Protein change: p.Thr247Ile; replaces threonine 247 with isoleucine.
Molecular consequence: missense variant.
Genome position (GRCh38, 1-based): chr5:75,416,973, G>A on the plus strand (C>T on the coding strand, the complement: CERT1 is on the minus strand). VCF-style: chr5-75416973-G-A. GRCh37 (hg19) VCF-style: chr5-74712798-G-A.
Other names: c.1124C>T, p.Thr375Ile (NM_001130105.1); c.740C>T, p.Thr247Ile (NM_001379002.1, NM_001379003.1, NM_001379004.1 and 2 more transcripts); short protein forms T247I, T375I.
Identifiers: ClinVar variation 3373137 (VCV003373137.1).

ClinVar aggregate classification (germline): Pathogenic (1 of 4 stars; one submission).

Submission:

GeneDx
Classification: Pathogenic. Last evaluated: 2024-04-30. Review status: criteria provided, single submitter. Criteria: GeneDx Variant Classification Process June 2021. Collection method: clinical testing. Allele origin: germline. Affected: yes.
Comment: Not observed at significant frequency in large population cohorts (gnomAD); In silico analysis supports that this missense variant has a deleterious effect on protein structure/function; Published in vitro functional studies demonstrate that this variant, reported as p.(T247I), is mislocalized and hypophosphorylated compared to wild type (PMID: 36976648); This variant is associated with the following publications: (PMID: 36976648)